The following is an entry in ClinVar:

ClinVar aggregate classification (germline): Pathogenic. Review status: criteria provided, multiple submitters, no conflicts (2 of 4 stars). 2 submissions from 2 submitters: Pathogenic (2). Last evaluated 2019-07-01.

Conditions:
DICER1-related tumor predisposition. Also called: DICER1 syndrome; DICER1-related pleuropulmonary blastoma cancer predisposition syndrome. Identifiers: Orphanet 284343, MedGen C3839822, MONDO:0100216.

Submissions (2):

Foulkes Cancer Genetics LDI, Lady Davis Institute for Medical Research
Classification: Pathogenic for Pleuropulmonary blastoma. Last evaluated: 2019-07-01. Review status: criteria provided, single submitter. Criteria: ACMG Guidelines, 2015. Collection method: curation. Allele origin: germline. Affected: yes. Observed: 1 variant allele.
Comment: ACMG criteria met: PVS1, PM2, PP4

International Pleuropulmonary Blastoma Registry, Children's Hospitals and Clinics of Minnesota
Classification: Pathogenic for Pleuropulmonary blastoma. Last evaluated: 2014-11-10. Review status: criteria provided, single submitter. Criteria: Hill et al. (Science. 2009). Collection method: clinical testing. Allele origin: germline. Affected: yes. Study: PPB-DICER1 Genetic study.

Literature cited by the submitters: PubMed 26925222 (cited by Foulkes Cancer Genetics LDI, Lady Davis Institute for Medical Research and International Pleuropulmonary Blastoma Registry, Children's Hospitals and Clinics of Minnesota).

NM_177438.3(DICER1):c.4511del (p.Ser1504fs)

Gene: DICER1 (dicer 1, ribonuclease III; minus strand). Cytogenetic location: 14q32.13.
Variant type: Deletion.
Coding change: c.4511del on transcript NM_177438.3 (MANE Select); coding-DNA position 4511, one base deleted (G; older notation c.4511delG).
Protein change: p.Ser1504fs; shifts the reading frame from serine 1504.
Molecular consequence: frameshift variant.
Genome position (GRCh38, 1-based): chr14:95,096,409, C deleted on the plus strand (G on the coding strand, the reverse complement: DICER1 is on the minus strand). VCF-style (leftmost placement, unchanged base first): chr14-95096408-GC-G. GRCh37 (hg19) VCF-style: chr14-95562745-GC-G.
Other names: c.4511delG (NM_177438.2); c.4511del, p.Ser1504fs (NM_001195573.1, NM_001271282.3, NM_001291628.2 and 1 more transcripts); short protein forms S1504fs.
Identifiers: ClinVar variation 254335 (VCV000254335.4), dbSNP rs886037715, ClinGen allele CA10586415.